The following is an entry in ClinVar:

NM_005670.4(EPM2A):c.269_275del (p.Lys90fs)

Genes: EPM2A (EPM2A glucan phosphatase, laforin; minus strand), EPM2A-DT (EPM2A divergent transcript; plus strand), LOC129997381 (ATAC-STARR-seq lymphoblastoid silent region 17642; plus strand). Cytogenetic location: 6q24.3.
Variant type: Deletion.
Coding change: c.269_275del on transcript NM_005670.4 (MANE Select); coding-DNA positions 269 to 275, 7 bases deleted (AGCGGGA; older notation c.269_275delAGCGGGA).
Protein change: p.Lys90fs; shifts the reading frame from lysine 90.
Molecular consequence: frameshift variant. On other transcripts: 5 prime UTR variant (2), intron variant (2).
Genome position (GRCh38, 1-based): chr6:145,735,224-145,735,230, TCCCGCT deleted on the plus strand (AGCGGGA on the coding strand, the reverse complement: EPM2A is on the minus strand); deleting any 7 consecutive bases within chr6:145,735,224-145,735,232 gives the same sequence; the c. name uses the placement nearest the transcript's 3' end. VCF-style (leftmost placement, unchanged base first): chr6-145735223-CTCCCGCT-C. GRCh37 (hg19) VCF-style: chr6-146056359-CTCCCGCT-C.
Other names: NM_005670.4(EPM2A):c.269_275del; p.Lys90fs; c.269_275del, p.Lys90fs (NM_001018041.2, NM_001360057.2, NM_001368130.1); c.-401_-395del (NM_001360071.2); c.-355_-349del (NM_001368129.2); c.-114+678_-114+684del (NM_001360064.2); c.-114+15_-114+21del (NM_001368131.1); short protein forms K90fs.
Identifiers: ClinVar variation 872146 (VCV000872146.42), dbSNP rs1776788274, ClinGen allele CA915940627.
Genomic context (GRCh38, chr6:145,735,223, plus strand): 5'-GCTCTGCGCCGGGGGCAGGCGTCTGCTGGCAATACCTTCCCAGGAGAGCTCTCCTCCCGG[CTCCCGCT>C]TCAGGAACTTGTACCAGAACGTGTCCACGCGGCCCGGCTCCGCCCCGTCCTGCGCCGCCT-3'

ClinVar aggregate classification (germline): Pathogenic. Review status: criteria provided, multiple submitters, no conflicts (2 of 4 stars). 2 submissions from 2 submitters: Pathogenic (2). Last evaluated 2025-01-07.

Conditions:
Lafora disease. Also called: Progressive Myoclonus Epilepsy, Lafora Type; Epilepsy progressive myoclonic 2. Identifiers: Orphanet 501, MedGen C0751783, MONDO:0009697.

Submissions (2):

Broad Center for Mendelian Genomics, Broad Institute of MIT and Harvard
Classification: Pathogenic for Lafora disease. Last evaluated: 2025-01-07. Review status: criteria provided, single submitter. Criteria: ACMG Guidelines, 2015. Collection method: curation. Allele origin: germline. Inheritance: Autosomal recessive inheritance.
Comment: The p.Lys90SerfsTer35 variant in EPM2A has been reported in 2 individuals with Lafora disease (PMID: 11175283, 32587944), and has been identified in 0.0004% (4/1140146) of European (non-Finnish) chromosomes by the Genome Aggregation Database (gnomAD; dbSNP rs1776788274). Although this variant has been seen in the general population in a heterozygous state, its frequency is low enough to be consistent with a recessive carrier frequency. This variant has also been reported in ClinVar (Variation ID: 872146) and has been interpreted as pathogenic by CeGaT Center for Human Genetics Tuebingen. Of the 2 affected individuals, 1 of those was a homozygote, which increases the likelihood that the p.Lys90SerfsTer35 variant is pathogenic (PMID: 11175283). This variant is predicted to cause a frameshift, which alters the protein‚Äôs amino acid sequence beginning at position 90 and leads to a premature termination codon 35 amino acids downstream. This alteration is then predicted to lead to a truncated or absent protein. Loss of function of the EPM2A gene is an established disease mechanism in autosomal recessive Lafora disease. In summary, this variant meets criteria to be classified as pathogenic for autosomal recessive Lafora disease. ACMG/AMP Criteria applied: PVS1, PM2_supporting, PM3_supporting (Richards 2015).

CeGaT Center for Human Genetics Tuebingen
Classification: Pathogenic. Last evaluated: 2018-10-01. Review status: criteria provided, single submitter. Criteria: CeGaT Center For Human Genetics Tuebingen Variant Classification Criteria Version 2. Collection method: clinical testing. Allele origin: germline. Affected: yes. Observed: 2 variant alleles.